The following is an entry in ClinVar:

NM_138387.4(G6PC3):c.74T>C (p.Val25Ala)

Genes: G6PC3 (glucose-6-phosphatase catalytic subunit 3; plus strand), LOC130060959 (ATAC-STARR-seq lymphoblastoid active region 12250; plus strand). Cytogenetic location: 17q21.31.
Variant type: single nucleotide variant.
Coding change: c.74T>C on transcript NM_138387.4 (MANE Select); coding-DNA position 74, T replaced by C.
Protein change: p.Val25Ala; replaces valine 25 with alanine.
Molecular consequence: missense variant. On other transcripts: 5 prime UTR variant (3), intron variant (1).
Genome position (GRCh38, 1-based): chr17:44,071,039, T>C. VCF-style: chr17-44071039-T-C. GRCh37 (hg19) VCF-style: chr17-42148407-T-C.
Other names: c.74T>C, p.Val25Ala (NM_001319945.2); c.-331T>C (NM_001384165.1); c.-466T>C (NM_001384166.1); c.-456T>C (NM_001384167.1); c.-312+325T>C (NM_001384168.1); short protein forms V25A.
Identifiers: ClinVar variation 4871590 (VCV004871590.1).
Genomic context (GRCh38, chr17:44,071,039, plus strand): 5'-TGGGCGCGGGCATCGTGATAGCCGAGGCGCTACAGAACCAGCTAGCCTGGCTGGAGAACG[T>C]GTGGCTCTGGATCACCTTTCTGGGCGATCCCAAGATCCTCTTTCTGTTCTACTTCCCCGC-3'
Protein context (NP_612396.1, residues 15-35): LQNQLAWLEN[Val25Ala]WLWITFLGDP

ClinVar aggregate classification (germline): Uncertain significance (1 of 4 stars; one submission).

Conditions:
Inborn genetic diseases. Identifiers: MedGen C0950123, MeSH D030342.

gnomAD v4.1: 1 of 1,597,724 alleles (0.000063%); highest among the groups gnomAD compares: Non-Finnish European, 0.000085%; no homozygotes.

Submission:

Ambry Genetics
Classification: Uncertain significance for Inborn genetic diseases. Last evaluated: 2026-04-15. Review status: criteria provided, single submitter. Criteria: Ambry Variant Classification Scheme 2023. Collection method: clinical testing. Allele origin: germline.
Comment: The p.V25A variant (also known as c.74T>C), located in coding exon 1 of the G6PC3 gene, results from a T to C substitution at nucleotide position 74. The valine at codon 25 is replaced by alanine, an amino acid with similar properties. This amino acid position is conserved. In addition, this alteration is predicted to be tolerated by in silico analysis. Based on the available evidence, the clinical significance of this variant remains unclear.